The following is an entry in ClinVar:

NM_005751.5(AKAP9):c.3068T>A (p.Val1023Asp)

Gene: AKAP9 (A-kinase anchoring protein 9; plus strand). Cytogenetic location: 7q21.2.
Variant type: single nucleotide variant.
Coding change: c.3068T>A on transcript NM_005751.5 (MANE Select); coding-DNA position 3068, T replaced by A.
Protein change: p.Val1023Asp; replaces valine 1023 with aspartic acid.
Molecular consequence: missense variant.
Genome position (GRCh38, 1-based): chr7:92,002,985, T>A. VCF-style: chr7-92002985-T-A. GRCh37 (hg19) VCF-style: chr7-91632299-T-A.
Other names: c.3068T>A, p.Val1023Asp (NM_147185.3); short protein forms V1023D.
Identifiers: ClinVar variation 264595 (VCV000264595.5), dbSNP rs886039202, ClinGen allele CA10587650.

ClinVar aggregate classification (germline): Uncertain significance (1 of 4 stars; one submission).

Conditions:
Cardiovascular phenotype. Identifiers: MedGen CN230736.

Submission:

Ambry Genetics
Classification: Uncertain significance for Cardiovascular phenotype. Last evaluated: 2015-11-27. Review status: criteria provided, single submitter. Criteria: Ambry Variant Classification Scheme 2023. Collection method: clinical testing. Allele origin: germline.
Comment: The p.V1023D variant (also known as c.3068T>A), located in coding exon 8 of the AKAP9 gene, results from a T to A substitution at nucleotide position 3068. The valine at codon 1023 is replaced by aspartic acid, an amino acid with highly dissimilar properties. This variant was not reported in population based cohorts in the following databases: Database of Single Nucleotide Polymorphisms (dbSNP), NHLBI Exome Sequencing Project (ESP), and 1000 Genomes Project. In the ESP, this variant was not observed in 6503 samples (13006 alleles) with coverage at this position. This amino acid position is not well conserved in available vertebrate species, and aspartic acid is the reference amino acid in one species. In addition, this alteration is predicted to be tolerated by in silico analysis. Since supporting evidence is limited at this time, the clinical significance of this variant remains unclear.